The following is an entry in ClinVar:

ClinVar aggregate classification (germline): Likely benign. Review status: criteria provided, multiple submitters, no conflicts (2 of 4 stars). 4 submissions from 4 submitters: Likely benign (4). Last evaluated 2026-01-19.

Conditions:
Kabuki syndrome 2 (KABUK2). Also called: KDM6A-Related Kabuki Syndrome. Identifiers: Orphanet 2322, MedGen C3275495, MONDO:0010465, OMIM 300867.
Kabuki syndrome 1 (KABUK1). Also called: KMT2D-Related Kabuki Syndrome. Identifiers: Orphanet 2322, MedGen CN030661, MONDO:0007843, OMIM 147920.

Allele frequency attached by ClinVar (database versions not stated): gnomAD exomes 0.00003; ExAC 0.00004; gnomAD 0.00004; TOPMed 0.00008.
gnomAD v4.1: 40 of 1,185,495 alleles (0.0034%); highest among the groups gnomAD compares: Admixed American, 0.013%; no homozygotes.

Submissions (4):

Labcorp Genetics (formerly Invitae), Labcorp
Classification: Likely benign for Kabuki syndrome 2. Last evaluated: 2026-01-19. Review status: criteria provided, single submitter. Criteria: Invitae Variant Classification Sherloc (09022015). Collection method: clinical testing. Allele origin: germline.

CeGaT Center for Human Genetics Tuebingen
Classification: Likely benign. Last evaluated: 2025-09-01. Review status: criteria provided, single submitter. Criteria: CeGaT Center For Human Genetics Tuebingen Variant Classification Criteria Version 2. Collection method: clinical testing. Allele origin: germline. Affected: yes. Observed: 1 variant allele.
Comment: KDM6A: BP4, BS2

Fulgent Genetics
Classification: Likely benign for Kabuki syndrome 1; Kabuki syndrome 2. Last evaluated: 2021-07-30. Review status: criteria provided, single submitter. Criteria: ACMG Guidelines, 2015. Collection method: clinical testing. Allele origin: unknown.

GeneDx
Classification: Likely benign. Last evaluated: 2019-07-19. Review status: criteria provided, single submitter. Criteria: GeneDx Variant Classification Process June 2021. Collection method: clinical testing. Allele origin: germline. Affected: yes.

NM_001291415.2(KDM6A):c.3423C>T (p.Asp1141=)

Gene: KDM6A (lysine demethylase 6A; plus strand). Cytogenetic location: Xp11.3.
Variant type: single nucleotide variant.
Coding change: c.3423C>T on transcript NM_001291415.2 (MANE Select); coding-DNA position 3423, C replaced by T.
Protein change: p.Asp1141=; no amino-acid change (aspartic acid 1141 retained).
Molecular consequence: synonymous variant. On other transcripts: non-coding transcript variant (1).
Genome position (GRCh38, 1-based): chrX:45,082,772, C>T. VCF-style: chrX-45082772-C-T. GRCh37 (hg19) VCF-style: chrX-44942017-C-T.
Other names: c.3288C>T, p.Asp1096= (NM_001291416.2); c.3132C>T, p.Asp1044= (NM_001291417.2); c.3030C>T, p.Asp1010= (NM_001291418.2); c.2379C>T, p.Asp793= (NM_001291421.2); c.3267C>T, p.Asp1089= (NM_021140.4).
Identifiers: ClinVar variation 1200184 (VCV001200184.16), dbSNP rs781105490, ClinGen allele CA10392669.